The following is an entry in ClinVar:

ClinVar aggregate classification (germline): Likely benign (1 of 4 stars; one submission).

gnomAD v4.1: 1,543 of 1,613,494 alleles (0.096%); highest among the groups gnomAD compares: South Asian, 0.13%; 2 homozygotes.

Submission:

CeGaT Center for Human Genetics Tuebingen
Classification: Likely benign. Last evaluated: 2025-09-01. Review status: criteria provided, single submitter. Criteria: CeGaT Center For Human Genetics Tuebingen Variant Classification Criteria Version 2. Collection method: clinical testing. Allele origin: germline. Affected: yes. Observed: 1 variant allele.
Comment: DNAH7: BS2

NM_018897.3(DNAH7):c.2848A>G (p.Met950Val)

Gene: DNAH7 (dynein axonemal heavy chain 7; minus strand). Cytogenetic location: 2q32.3.
Variant type: single nucleotide variant.
Coding change: c.2848A>G on transcript NM_018897.3 (MANE Select); coding-DNA position 2848, A replaced by G.
Protein change: p.Met950Val; replaces methionine 950 with valine.
Molecular consequence: missense variant.
Genome position (GRCh38, 1-based): chr2:195,960,303, T>C on the plus strand (A>G on the coding strand, the complement: DNAH7 is on the minus strand). VCF-style: chr2-195960303-T-C. GRCh37 (hg19) VCF-style: chr2-196825027-T-C.
Other names: short protein forms M950V.
Identifiers: ClinVar variation 4280756 (VCV004280756.7).